The following is an entry in ClinVar:

NM_144508.5(KNL1):c.2802A>T (p.Ile934=)

Gene: KNL1 (kinetochore scaffold 1; plus strand). Cytogenetic location: 15q15.1.
Variant type: single nucleotide variant.
Coding change: c.2802A>T on transcript NM_144508.5 (MANE Select); coding-DNA position 2802, A replaced by T.
Protein change: p.Ile934=; no amino-acid change (isoleucine 934 retained).
Molecular consequence: synonymous variant.
Genome position (GRCh38, 1-based): chr15:40,623,066, A>T. VCF-style: chr15-40623066-A-T. GRCh37 (hg19) VCF-style: chr15-40915264-A-T.
Other names: c.2880A>T, p.Ile960= (NM_170589.5).
Identifiers: ClinVar variation 4083790 (VCV004083790.8).

ClinVar aggregate classification (germline): Likely benign (1 of 4 stars; one submission).

gnomAD v4.1: 3 of 1,613,870 alleles (0.00019%); highest among the groups gnomAD compares: Non-Finnish European, 0.00017%; no homozygotes.

Submission:

CeGaT Center for Human Genetics Tuebingen
Classification: Likely benign. Last evaluated: 2025-08-01. Review status: criteria provided, single submitter. Criteria: CeGaT Center For Human Genetics Tuebingen Variant Classification Criteria Version 2. Collection method: clinical testing. Allele origin: germline. Affected: yes. Observed: 1 variant allele.
Comment: KNL1: BP4, BP7